The following is an entry in ClinVar:

ClinVar aggregate classification (germline): Benign. Review status: criteria provided, multiple submitters, no conflicts (2 of 4 stars). 9 submissions from 9 submitters: Benign (6). 3 of the submissions do not count toward it. Last evaluated 2026-02-04.

Conditions:
SYNE2-related disorder. Also called: SYNE2-related condition.
Emery-Dreifuss muscular dystrophy 5, autosomal dominant (EDMD5). Also called: EMERY-DREIFUSS MUSCULAR DYSTROPHY 5. Identifiers: Orphanet 261, MedGen C2751805, MONDO:0013072, OMIM 612999.

Allele frequency attached by ClinVar (database versions not stated): gnomAD exomes 0.00565 and 0.01161; ExAC 0.01441; gnomAD 0.03696 and 0.03914; ESP Exome Variant Server 0.03747; TOPMed 0.04138; 1000 Genomes Project 0.04912; 1000 Genomes Project 30x 0.05184.
gnomAD v4.1: 14,136 of 1,614,134 alleles (0.88%); highest among the groups gnomAD compares: African/African-American, 13%; 751 homozygotes.

Submissions (9):

Labcorp Genetics (formerly Invitae), Labcorp
Classification: Benign for Emery-Dreifuss muscular dystrophy 5, autosomal dominant. Last evaluated: 2026-02-04. Review status: criteria provided, single submitter. Criteria: Invitae Variant Classification Sherloc (09022015). Collection method: clinical testing. Allele origin: germline.

Athena Diagnostics
Classification: Benign. Last evaluated: 2024-10-29. Review status: criteria provided, single submitter. Criteria: Athena Diagnostics Criteria. Collection method: clinical testing. Allele origin: unknown.

GeneDx
Classification: Benign. Last evaluated: 2018-07-09. Review status: criteria provided, single submitter. Criteria: GeneDx Variant Classification Process June 2021. Collection method: clinical testing. Allele origin: germline. Affected: yes.

Illumina Laboratory Services, Illumina
Classification: Benign for Emery-Dreifuss muscular dystrophy 5, autosomal dominant. Last evaluated: 2018-01-13. Review status: criteria provided, single submitter. Criteria: ICSL Variant Classification Criteria 13 December 2019. Collection method: clinical testing. Allele origin: germline.
Comment: This variant was observed in the ICSL laboratory as part of a predisposition screen in an ostensibly healthy population. It had not been previously curated by ICSL or reported in the Human Gene Mutation Database (HGMD: prior to June 1st, 2018), and was therefore a candidate for classification through an automated scoring system. Utilizing variant allele frequency, disease prevalence and penetrance estimates, and inheritance mode, an automated score was calculated to assess if this variant is too frequent to cause the disease. Based on the score and internal cut-off values, a variant classified as benign is not then subjected to further curation. The score for this variant resulted in a classification of benign for this disease.

Genome Diagnostics Laboratory, University Medical Center Utrecht
Classification: Benign for Emery-Dreifuss muscular dystrophy 5, autosomal dominant. Last evaluated: 2016-04-07. Review status: criteria provided, single submitter. Criteria: ACGS Guidelines, 2013. Collection method: clinical testing. Allele origin: germline. Affected: yes. Study: VKGL Data-share Consensus.

Breakthrough Genomics
Classification: Benign. Review status: criteria provided, single submitter. Criteria: ACMG Guidelines, 2015. Collection method: not provided. Allele origin: germline. Inheritance: Autosomal dominant inheritance. Affected: yes.

PreventionGenetics, part of Exact Sciences
Classification: Benign for SYNE2-related condition. Last evaluated: 2020-01-31. Review status: no assertion criteria provided. Collection method: clinical testing. Allele origin: germline. Not counted in ClinVar's aggregate classification.
Comment: This variant is classified as benign based on ACMG/AMP sequence variant interpretation guidelines (Richards et al. 2015 PMID: 25741868, with internal and published modifications).

Clinical Genetics, Academic Medical Center
Classification: Benign. Review status: no assertion criteria provided. Collection method: clinical testing. Allele origin: germline. Affected: yes. Study: VKGL Data-share Consensus. Not counted in ClinVar's aggregate classification.

Genetic Services Laboratory, University of Chicago
Classification: Likely benign for AllHighlyPenetrant. Review status: no assertion criteria provided. Collection method: clinical testing. Allele origin: germline. Inheritance: Autosomal dominant inheritance. Not counted in ClinVar's aggregate classification.
Comment: Likely benign based on allele frequency in 1000 Genomes Project or ESP global frequency and its presence in a patient with a rare or unrelated disease phenotype. NOT Sanger confirmed.

NM_182914.3(SYNE2):c.7040C>A (p.Ala2347Glu)

Gene: SYNE2 (spectrin repeat containing nuclear envelope protein 2; plus strand). Cytogenetic location: 14q23.2.
Variant type: single nucleotide variant.
Coding change: c.7040C>A on transcript NM_182914.3 (MANE Select); coding-DNA position 7040, C replaced by A.
Protein change: p.Ala2347Glu; replaces alanine 2347 with glutamic acid.
Molecular consequence: missense variant.
Genome position (GRCh38, 1-based): chr14:64,031,176, C>A. VCF-style: chr14-64031176-C-A. GRCh37 (hg19) VCF-style: chr14-64497894-C-A.
Other names: c.7040C>A, p.Ala2347Glu (NM_015180.6); short protein forms A2347E.
Identifiers: ClinVar variation 130506 (VCV000130506.27), dbSNP rs34625768, ClinGen allele CA155596.
Genomic context (GRCh38, chr14:64,031,176, plus strand): 5'-TTATTAAAGATGATATAAAATCACTTCAGTGTAAACAAAAAGATTTGGAAAACAGGCTTG[C>A]ATCTGCTAAGCAGGAGATGGAATGTTGTCTCAACAGCATTCTCAAATCAAAACGCTCAAC-3'
Protein context (NP_878918.2, residues 2337-2357): CKQKDLENRL[Ala2347Glu]SAKQEMECCL